The following is an entry in ClinVar:

ClinVar aggregate classification (germline): Uncertain significance (1 of 4 stars; one submission).

Submission:

Labcorp Genetics (formerly Invitae), Labcorp
Classification: Uncertain significance. Last evaluated: 2024-03-14. Review status: criteria provided, single submitter. Criteria: Invitae Variant Classification Sherloc (09022015). Collection method: clinical testing. Allele origin: germline.
Comment: This sequence change replaces valine, which is neutral and non-polar, with leucine, which is neutral and non-polar, at codon 273 of the CLCN3 protein (p.Val273Leu). This variant is not present in population databases (gnomAD no frequency). This variant has not been reported in the literature in individuals affected with CLCN3-related conditions. Advanced modeling of protein sequence and biophysical properties (such as structural, functional, and spatial information, amino acid conservation, physicochemical variation, residue mobility, and thermodynamic stability) performed at Invitae indicates that this missense variant is not expected to disrupt CLCN3 protein function with a negative predictive value of 80%. In summary, the available evidence is currently insufficient to determine the role of this variant in disease. Therefore, it has been classified as a Variant of Uncertain Significance.

NM_001829.4(CLCN3):c.817G>T (p.Val273Leu)

Gene: CLCN3 (chloride voltage-gated channel 3; plus strand). Cytogenetic location: 4q33.
Variant type: single nucleotide variant.
Coding change: c.817G>T on transcript NM_001829.4 (MANE Select); coding-DNA position 817, G replaced by T.
Protein change: p.Val273Leu; replaces valine 273 with leucine.
Molecular consequence: missense variant.
Genome position (GRCh38, 1-based): chr4:169,692,201, G>T. VCF-style: chr4-169692201-G-T. GRCh37 (hg19) VCF-style: chr4-170613352-G-T.
Other names: c.817G>T, p.Val273Leu (NM_001243372.2, NM_173872.4); c.736G>T, p.Val246Leu (NM_001243374.2); short protein forms V273L, V246L.
Identifiers: ClinVar variation 3645887 (VCV003645887.2).
Genomic context (GRCh38, chr4:169,692,201, plus strand): 5'-ATCAGAGGTTACTTGGGAAAATGGACTTTAATGATTAAAACCATCACATTAGTCCTGGCT[G>T]TGGCATCAGGTTTGAGTTTAGGAAAAGAAGGTCCCCTGGTACATGTTGCCTGTTGCTGCG-3'
Protein context (NP_001820.2, residues 263-283): MIKTITLVLA[Val273Leu]ASGLSLGKEG